The following is an entry in ClinVar:

NM_014159.7(SETD2):c.7624G>C (p.Glu2542Gln)

Gene: SETD2 (SET domain containing 2, histone lysine methyltransferase; minus strand). Cytogenetic location: 3p21.31.
Variant type: single nucleotide variant.
Coding change: c.7624G>C on transcript NM_014159.7 (MANE Select); coding-DNA position 7624, G replaced by C.
Protein change: p.Glu2542Gln; replaces glutamic acid 2542 with glutamine.
Molecular consequence: missense variant. On other transcripts: non-coding transcript variant (1).
Genome position (GRCh38, 1-based): chr3:47,017,164, C>G on the plus strand (G>C on the coding strand, the complement: SETD2 is on the minus strand). VCF-style: chr3-47017164-C-G. GRCh37 (hg19) VCF-style: chr3-47058654-C-G.
Other names: c.7492G>C, p.Glu2498Gln (NM_001349370.3); short protein forms E2498Q, E2542Q.
Identifiers: ClinVar variation 3369753 (VCV003369753.1).

ClinVar aggregate classification (germline): Uncertain significance (1 of 4 stars; one submission).

Submission:

GeneDx
Classification: Uncertain significance. Last evaluated: 2024-02-23. Review status: criteria provided, single submitter. Criteria: GeneDx Variant Classification Process June 2021. Collection method: clinical testing. Allele origin: germline. Affected: yes.
Comment: Not observed at significant frequency in large population cohorts (gnomAD); In silico analysis supports that this missense variant does not alter protein structure/function; Has not been previously published as pathogenic or benign to our knowledge